The following is an entry in ClinVar:

ClinVar aggregate classification (germline): Uncertain significance. Review status: criteria provided, multiple submitters, no conflicts (2 of 4 stars). 4 submissions from 4 submitters: Uncertain significance (4). Last evaluated 2025-12-10.

Conditions:
Inborn genetic diseases. Identifiers: MedGen C0950123, MeSH D030342.
Autosomal recessive Robinow syndrome (RRS1). Also called: ROR2-Related Robinow Syndrome; COSTOVERTEBRAL SEGMENTATION DEFECT WITH MESOMELIA; COVESDEM SYNDROME; ROBINOW SYNDROME, AUTOSOMAL RECESSIVE 1. Identifiers: Orphanet 1507, Orphanet 97360, MedGen C5399974, MONDO:0009999, OMIM 268310.
Brachydactyly type B1 (BDB1). Identifiers: Orphanet 572385, Orphanet 93383, MedGen C1862112, MONDO:0007220, OMIM 113000.

Allele frequency attached by ClinVar (database versions not stated): ExAC 0.00001; gnomAD exomes 0.00001; gnomAD 0.00004 and 0.00005; TOPMed 0.00012.

Submissions (4):

Labcorp Genetics (formerly Invitae), Labcorp
Classification: Uncertain significance. Last evaluated: 2025-12-10. Review status: criteria provided, single submitter. Criteria: Invitae Variant Classification Sherloc (09022015). Collection method: clinical testing. Allele origin: germline.
Comment: This sequence change replaces glutamine, which is neutral and polar, with glutamic acid, which is acidic and polar, at codon 841 of the ROR2 protein (p.Gln841Glu). This variant is present in population databases (rs771461100, gnomAD 0.006%). This variant has not been reported in the literature in individuals affected with ROR2-related conditions. ClinVar contains an entry for this variant (Variation ID: 1372272). Invitae Evidence Modeling of protein sequence and biophysical properties (such as structural, functional, and spatial information, amino acid conservation, physicochemical variation, residue mobility, and thermodynamic stability) indicates that this missense variant is not expected to disrupt ROR2 protein function with a negative predictive value of 80%. In summary, the available evidence is currently insufficient to determine the role of this variant in disease. Therefore, it has been classified as a Variant of Uncertain Significance.

GeneDx
Classification: Uncertain significance. Last evaluated: 2024-06-28. Review status: criteria provided, single submitter. Criteria: GeneDx Variant Classification Process June 2021. Collection method: clinical testing. Allele origin: germline. Affected: yes.
Comment: Not observed at significant frequency in large population cohorts (gnomAD); In silico analysis indicates that this missense variant does not alter protein structure/function; Has not been previously published as pathogenic or benign to our knowledge

Fulgent Genetics
Classification: Uncertain significance for Brachydactyly type B1; Autosomal recessive Robinow syndrome. Last evaluated: 2024-03-27. Review status: criteria provided, single submitter. Criteria: ACMG Guidelines, 2015. Collection method: clinical testing. Allele origin: germline.

Ambry Genetics
Classification: Uncertain significance for Inborn genetic diseases. Last evaluated: 2023-11-14. Review status: criteria provided, single submitter. Criteria: Ambry Variant Classification Scheme 2023. Collection method: clinical testing. Allele origin: germline.

NM_004560.4(ROR2):c.2521C>G (p.Gln841Glu)

Gene: ROR2 (receptor tyrosine kinase like orphan receptor 2; minus strand). Cytogenetic location: 9q22.31.
Variant type: single nucleotide variant.
Coding change: c.2521C>G on transcript NM_004560.4 (MANE Select); coding-DNA position 2521, C replaced by G.
Protein change: p.Gln841Glu; replaces glutamine 841 with glutamic acid.
Molecular consequence: missense variant.
Genome position (GRCh38, 1-based): chr9:91,723,973, G>C on the plus strand (C>G on the coding strand, the complement: ROR2 is on the minus strand). VCF-style: chr9-91723973-G-C. GRCh37 (hg19) VCF-style: chr9-94486255-G-C.
Other names: c.2521C>G (NM_004560.3); short protein forms Q841E.
Identifiers: ClinVar variation 1372272 (VCV001372272.11), dbSNP rs771461100, ClinGen allele CA5120369.
Genomic context (GRCh38, chr9:91,723,973, plus strand): 5'-AGCTGGGCTTGGGGACCATCTGAGGAGGCACCTGCTGCGGGGCCATCTGCATTGGGATCT[G>C]CACCGGGTAGAAGTTGGGCAGGTAGGCCCCATAGGCCGGCACCGGCTGGTAGCCGTTGAC-3'
Protein context (NP_004551.2, residues 831-851): GAYLPNFYPV[Gln841Glu]IPMQMAPQQV